The following is an entry in ClinVar:

NM_001130987.2(DYSF):c.2216+16C>T

Gene: DYSF (dysferlin; plus strand). Cytogenetic location: 2p13.2.
Variant type: single nucleotide variant.
Coding change: c.2216+16C>T on transcript NM_001130987.2 (MANE Select); 16 bases into the intron after coding-DNA position 2216, C replaced by T.
Molecular consequence: intron variant.
Genome position (GRCh38, 1-based): chr2:71,556,087, C>T. VCF-style: chr2-71556087-C-T. GRCh37 (hg19) VCF-style: chr2-71783217-C-T.
Other names: c.2255+16C>T (NM_001130979.2); c.2213+16C>T (NM_001130981.2, NM_001130980.2); c.2162+16C>T (NM_001130978.2, NM_003494.4); c.2120+16C>T (NM_001130977.2, NM_001130976.2); c.2258+16C>T (NM_001130982.2); c.2216+16C>T (NM_001130985.2); c.2165+16C>T (NM_001130983.2, NM_001130455.2); c.2123+16C>T (NM_001130984.2, NM_001130986.2).
Identifiers: ClinVar variation 94284 (VCV000094284.14), dbSNP rs111389127, ClinGen allele CA147732.

ClinVar aggregate classification (germline): Benign. Review status: criteria provided, multiple submitters, no conflicts (2 of 4 stars). 5 submissions from 5 submitters: Benign (5). Last evaluated 2026-02-04.

Conditions:
Neuromuscular disease caused by qualitative or quantitative defects of dysferlin. Also called: Dysferlinopathy; Qualitative or quantitative defects of dysferlin. Identifiers: Orphanet 207073, MedGen C2931687, MONDO:0016145.

Allele frequency attached by ClinVar (database versions not stated): 1000 Genomes Project 30x 0.00859; 1000 Genomes Project 0.00919; gnomAD 0.01060 and 0.01089; TOPMed 0.01083; ESP Exome Variant Server 0.01159; ExAC 0.01938.
gnomAD v4.1: 20,936 of 1,548,608 alleles (1.4%); highest among the groups gnomAD compares: South Asian, 1.9%; 186 homozygotes.

Submissions (5):

Labcorp Genetics (formerly Invitae), Labcorp
Classification: Benign for Neuromuscular disease caused by qualitative or quantitative defects of dysferlin. Last evaluated: 2026-02-04. Review status: criteria provided, single submitter. Criteria: Invitae Variant Classification Sherloc (09022015). Collection method: clinical testing. Allele origin: germline.

GeneDx
Classification: Benign. Last evaluated: 2016-02-24. Review status: criteria provided, single submitter. Criteria: GeneDx Variant Classification (06012015). Collection method: clinical testing. Allele origin: germline. Affected: yes.
Comment: This variant is considered likely benign or benign based on one or more of the following criteria: it is a conservative change, it occurs at a poorly conserved position in the protein, it is predicted to be benign by multiple in silico algorithms, and/or has population frequency not consistent with disease.

Eurofins Ntd Llc (ga)
Classification: Benign. Last evaluated: 2012-10-18. Review status: criteria provided, single submitter. Criteria: EGL Classification Definitions 2015. Collection method: clinical testing. Allele origin: germline. Observed: 5 variant alleles, 5 heterozygotes.

Breakthrough Genomics
Classification: Benign. Review status: criteria provided, single submitter. Criteria: ACMG Guidelines, 2015. Collection method: not provided. Allele origin: germline. Inheritance: Autosomal recessive inheritance. Affected: yes.

PreventionGenetics, part of Exact Sciences
Classification: Benign. Review status: criteria provided, single submitter. Criteria: ACMG Guidelines, 2015. Collection method: clinical testing. Allele origin: germline.